The following is an entry in ClinVar:

ClinVar aggregate classification (germline): Uncertain significance. Review status: criteria provided, multiple submitters, no conflicts (2 of 4 stars). 2 submissions from 2 submitters: Uncertain significance (2). Last evaluated 2026-03-28.

Conditions:
Hereditary cancer-predisposing syndrome. Also called: Tumor predisposition; Neoplastic Syndromes, Hereditary; Hereditary Cancer Syndrome; Hereditary neoplastic syndrome. Identifiers: Orphanet 140162, MedGen C0027672, MeSH D009386, MONDO:0015356.
Familial cancer of breast. Also called: BREAST CANCER, FAMILIAL; Hereditary breast cancer; hereditary breast carcinoma. Identifiers: Orphanet 227535, MedGen C0346153, MONDO:0016419, OMIM 114480. Disease mechanism: loss of function.

Submissions (2):

Ambry Genetics
Classification: Uncertain significance for Hereditary cancer-predisposing syndrome. Last evaluated: 2026-03-28. Review status: criteria provided, single submitter. Criteria: Ambry Variant Classification Scheme 2023. Collection method: clinical testing. Allele origin: germline.
Comment: The p.K650N variant (also known as c.1950G>C), located in coding exon 10 of the BARD1 gene, results from a G to C substitution at nucleotide position 1950. The lysine at codon 650 is replaced by asparagine, an amino acid with similar properties. This amino acid position is conserved. In addition, this alteration is predicted to be tolerated by in silico analysis. Based on the available evidence, the clinical significance of this variant remains unclear.

Labcorp Genetics (formerly Invitae), Labcorp
Classification: Uncertain significance for Familial cancer of breast. Last evaluated: 2021-10-21. Review status: criteria provided, single submitter. Criteria: Invitae Variant Classification Sherloc (09022015). Collection method: clinical testing. Allele origin: germline.
Comment: This sequence change replaces lysine with asparagine at codon 650 of the BARD1 protein (p.Lys650Asn). The lysine residue is highly conserved and there is a moderate physicochemical difference between lysine and asparagine. In summary, the available evidence is currently insufficient to determine the role of this variant in disease. Therefore, it has been classified as a Variant of Uncertain Significance. Algorithms developed to predict the effect of missense changes on protein structure and function output the following: SIFT: "Tolerated"; PolyPhen-2: "Benign"; Align-GVGD: "Class C0". The asparagine amino acid residue is found in multiple mammalian species, which suggests that this missense change does not adversely affect protein function. This variant has not been reported in the literature in individuals affected with BARD1-related conditions. This variant is not present in population databases (ExAC no frequency).

NM_000465.4(BARD1):c.1950G>C (p.Lys650Asn)

Gene: BARD1 (BRCA1 associated RING domain 1; minus strand). Cytogenetic location: 2q35.
Variant type: single nucleotide variant.
Coding change: c.1950G>C on transcript NM_000465.4 (MANE Select); coding-DNA position 1950, G replaced by C.
Protein change: p.Lys650Asn; replaces lysine 650 with asparagine.
Molecular consequence: missense variant. On other transcripts: non-coding transcript variant (3).
Genome position (GRCh38, 1-based): chr2:214,730,462, C>G on the plus strand (G>C on the coding strand, the complement: BARD1 is on the minus strand). VCF-style: chr2-214730462-C-G. GRCh37 (hg19) VCF-style: chr2-215595186-C-G.
Other names: c.1893G>C, p.Lys631Asn (NM_001282543.2); c.597G>C, p.Lys199Asn (NM_001282545.2); c.540G>C, p.Lys180Asn (NM_001282548.2); c.411G>C, p.Lys137Asn (NM_001282549.2); c.1950G>C (NM_000465.2); short protein forms K180N, K199N, K631N, K137N, K650N.
Identifiers: ClinVar variation 1480728 (VCV001480728.8), dbSNP rs1692302613, ClinGen allele CA350451178.
Genomic context (GRCh38, chr2:214,730,462, plus strand): 5'-GAAAAATACCAGCTGTTCTCTGTTGAGCCTGCTTCTGCGTGGACCTTCAGGAATTTCATA[C>G]TTTTCTTCCTGTTCACATACTTTTCTTCGTAGACATGCTTTTACCCCTGACAAAAACACA-3'
Protein context (NP_000456.2, residues 640-660): LRRKVCEQEE[Lys650Asn]YEIPEGPRRS